The following is an entry in ClinVar:

ClinVar aggregate classification (germline): Uncertain significance (1 of 4 stars; one submission).

Conditions:
Autosomal recessive spinocerebellar ataxia 15. Also called: SALIH ATAXIA. Identifiers: Orphanet 404499, MedGen C3810326, MONDO:0014311, OMIM 615705.

gnomAD v4.1: 2 of 1,613,668 alleles (0.00012%); highest among the groups gnomAD compares: Non-Finnish European, 0.00017%; no homozygotes.

Submission:

Kariminejad - Najmabadi Pathology & Genetics Center
Classification: Uncertain significance for Autosomal recessive spinocerebellar ataxia 15. Last evaluated: 2021-11-29. Review status: criteria provided, single submitter. Criteria: ACMG Guidelines, 2015. Collection method: clinical testing. Allele origin: germline. Inheritance: Autosomal recessive inheritance. Affected: yes.
Comment: PM2

NM_014687.4(RUBCN):c.2507T>C (p.Phe836Ser)

Gene: RUBCN (rubicon autophagy regulator; minus strand). Cytogenetic location: 3q29.
Variant type: single nucleotide variant.
Coding change: c.2507T>C on transcript NM_014687.4 (MANE Select); coding-DNA position 2507, T replaced by C.
Protein change: p.Phe836Ser; replaces phenylalanine 836 with serine.
Molecular consequence: missense variant.
Genome position (GRCh38, 1-based): chr3:197,677,024, A>G on the plus strand (T>C on the coding strand, the complement: RUBCN is on the minus strand). VCF-style: chr3-197677024-A-G. GRCh37 (hg19) VCF-style: chr3-197403895-A-G.
Other names: c.2372T>C, p.Phe791Ser (NM_001145642.5); c.2624T>C, p.Phe875Ser (NM_001346873.2); short protein forms F791S, F836S, F875S.
Identifiers: ClinVar variation 3896970 (VCV003896970.1).